The following is an entry in ClinVar:

NM_006904.7(PRKDC):c.1973C>T (p.Thr658Ile)

Gene: PRKDC (protein kinase, DNA-activated, catalytic subunit; minus strand). Cytogenetic location: 8q11.21.
Variant type: single nucleotide variant.
Coding change: c.1973C>T on transcript NM_006904.7 (MANE Select); coding-DNA position 1973, C replaced by T.
Protein change: p.Thr658Ile; replaces threonine 658 with isoleucine.
Molecular consequence: missense variant.
Genome position (GRCh38, 1-based): chr8:47,929,932, G>A on the plus strand (C>T on the coding strand, the complement: PRKDC is on the minus strand). VCF-style: chr8-47929932-G-A. GRCh37 (hg19) VCF-style: chr8-48842492-G-A.
Other names: c.1973C>T, p.Thr658Ile (NM_001081640.2); short protein forms T658I.
Identifiers: ClinVar variation 1783662 (VCV001783662.2), dbSNP rs1027037671, ClinGen allele CA176164586.

ClinVar aggregate classification (germline): Uncertain significance (1 of 4 stars; one submission).

Allele frequency attached by ClinVar (database versions not stated): gnomAD exomes below 0.00001; TOPMed below 0.00001.
gnomAD v4.1: 6 of 1,610,056 alleles (0.00037%); highest among the groups gnomAD compares: Middle Eastern, 0.017%; no homozygotes.

Submission:

Ambry Genetics
Classification: Uncertain significance. Last evaluated: 2021-06-15. Review status: criteria provided, single submitter. Criteria: Ambry Variant Classification Scheme 2023. Collection method: clinical testing. Allele origin: germline.
Comment: The p.T658I variant (also known as c.1973C>T), located in coding exon 18 of the PRKDC gene, results from a C to T substitution at nucleotide position 1973. The threonine at codon 658 is replaced by isoleucine, an amino acid with similar properties. This amino acid position is conserved. In addition, this alteration is predicted to be tolerated by in silico analysis. Since supporting evidence is limited at this time, the clinical significance of this alteration remains unclear.